The following is an entry in ClinVar:

NM_000079.4(CHRNA1):c.137G>A (p.Arg46His)

Gene: CHRNA1 (cholinergic receptor nicotinic alpha 1 subunit; minus strand). Cytogenetic location: 2q31.1.
Variant type: single nucleotide variant.
Coding change: c.137G>A on transcript NM_000079.4 (MANE Select); coding-DNA position 137, G replaced by A.
Protein change: p.Arg46His; replaces arginine 46 with histidine.
Molecular consequence: missense variant.
Genome position (GRCh38, 1-based): chr2:174,759,540, C>T on the plus strand (G>A on the coding strand, the complement: CHRNA1 is on the minus strand). VCF-style: chr2-174759540-C-T. GRCh37 (hg19) VCF-style: chr2-175624268-C-T.
Other names: c.137G>A, p.Arg46His (NM_001039523.3); short protein forms R46H.
Identifiers: ClinVar variation 850194 (VCV000850194.8), dbSNP rs149851833, ClinGen allele CA1974694.
Genomic context (GRCh38, chr2:174,759,540, plus strand): 5'-TGTCTCACCACATTGATGAGCTGTATCAGCTGCAGGCCCACGGTGACCTCCACGACCTGG[C>T]GGTGGTCTTCCACTGGCCGCACCACGCTGCTGTAGTCTTTAAATAGCTTTGCCACCAGAC-3'
Protein context (NP_000070.1, residues 36-56): SSVVRPVEDH[Arg46His]QVVEVTVGLQ

ClinVar aggregate classification (germline): Conflicting classifications of pathogenicity. Review status: criteria provided, conflicting classifications (1 of 4 stars). 2 submissions from 2 submitters: Uncertain significance (1); Likely benign (1). Last evaluated 2024-11-26.

Conditions:
Lethal multiple pterygium syndrome (LMPS). Identifiers: Orphanet 33108, MedGen C1854678, MONDO:0009668, OMIM 253290.
Inborn genetic diseases. Identifiers: MedGen C0950123, MeSH D030342.

Allele frequency attached by ClinVar (database versions not stated): ExAC 0.00002; gnomAD exomes 0.00002; TOPMed 0.00003; gnomAD 0.00004; ESP Exome Variant Server 0.00008.
gnomAD v4.1: 47 of 1,613,952 alleles (0.0029%); highest among the groups gnomAD compares: Non-Finnish European, 0.0036%; no homozygotes.

Submissions (2):

Ambry Genetics
Classification: Likely benign for Inborn genetic diseases. Last evaluated: 2024-11-26. Review status: criteria provided, single submitter. Criteria: Ambry Variant Classification Scheme 2023. Collection method: clinical testing. Allele origin: germline.

Labcorp Genetics (formerly Invitae), Labcorp
Classification: Uncertain significance for Lethal multiple pterygium syndrome. Last evaluated: 2023-12-30. Review status: criteria provided, single submitter. Criteria: Invitae Variant Classification Sherloc (09022015). Collection method: clinical testing. Allele origin: germline.
Comment: This sequence change replaces arginine, which is basic and polar, with histidine, which is basic and polar, at codon 46 of the CHRNA1 protein (p.Arg46His). This variant is present in population databases (rs149851833, gnomAD 0.008%). This variant has not been reported in the literature in individuals affected with CHRNA1-related conditions. ClinVar contains an entry for this variant (Variation ID: 850194). Advanced modeling of protein sequence and biophysical properties (such as structural, functional, and spatial information, amino acid conservation, physicochemical variation, residue mobility, and thermodynamic stability) performed at Invitae indicates that this missense variant is not expected to disrupt CHRNA1 protein function with a negative predictive value of 80%. In summary, the available evidence is currently insufficient to determine the role of this variant in disease. Therefore, it has been classified as a Variant of Uncertain Significance.